The following is an entry in ClinVar:

ClinVar aggregate classification (germline): Uncertain significance (1 of 4 stars; one submission).

Conditions:
Developmental and epileptic encephalopathy, 33 (DEE33). Also called: Epileptic encephalopathy, early infantile, 33. Identifiers: Orphanet 442835, MedGen C4225337, MONDO:0014625, OMIM 616409.

Submission:

Labcorp Genetics (formerly Invitae), Labcorp
Classification: Uncertain significance for Epileptic encephalopathy, early infantile, 33. Last evaluated: 2019-07-01. Review status: criteria provided, single submitter. Criteria: Invitae Variant Classification Sherloc (09022015). Collection method: clinical testing. Allele origin: germline.
Comment: This sequence change replaces lysine with arginine at codon 255 of the EEF1A2 protein (p.Lys255Arg). The lysine residue is highly conserved and there is a small physicochemical difference between lysine and arginine. This variant is not present in population databases (ExAC no frequency). This variant has not been reported in the literature in individuals with EEF1A2-related conditions. Algorithms developed to predict the effect of missense changes on protein structure and function are either unavailable or do not agree on the potential impact of this missense change (SIFT: "Deleterious"; PolyPhen-2: "Benign"; Align-GVGD: "Class C0"). In summary, the available evidence is currently insufficient to determine the role of this variant in disease. Therefore, it has been classified as a Variant of Uncertain Significance.

NM_001958.5(EEF1A2):c.764A>G (p.Lys255Arg)

Gene: EEF1A2 (eukaryotic translation elongation factor 1 alpha 2; minus strand). Cytogenetic location: 20q13.33.
Variant type: single nucleotide variant.
Coding change: c.764A>G on transcript NM_001958.5 (MANE Select); coding-DNA position 764, A replaced by G.
Protein change: p.Lys255Arg; replaces lysine 255 with arginine.
Molecular consequence: missense variant.
Genome position (GRCh38, 1-based): chr20:63,493,145, T>C on the plus strand (A>G on the coding strand, the complement: EEF1A2 is on the minus strand). VCF-style: chr20-63493145-T-C. GRCh37 (hg19) VCF-style: chr20-62124498-T-C.
Other names: short protein forms K255R.
Identifiers: ClinVar variation 945154 (VCV000945154.1), dbSNP rs2082398761, ClinGen allele CA409648606.